The following is an entry in ClinVar:

ClinVar aggregate classification (germline): Uncertain significance. Review status: criteria provided, multiple submitters, no conflicts (2 of 4 stars). 2 submissions from 2 submitters: Uncertain significance (2). Last evaluated 2025-09-14.

Allele frequency attached by ClinVar (database versions not stated): ExAC 0.00004; gnomAD exomes 0.00004; TOPMed 0.00012; ESP Exome Variant Server 0.00015; gnomAD 0.00015 and 0.00017; 1000 Genomes Project 30x 0.00016; 1000 Genomes Project 0.00020.
gnomAD v4.1: 47 of 1,614,004 alleles (0.0029%); highest among the groups gnomAD compares: African/African-American, 0.059%; no homozygotes.

Submissions (2):

Labcorp Genetics (formerly Invitae), Labcorp
Classification: Uncertain significance. Last evaluated: 2025-09-14. Review status: criteria provided, single submitter. Criteria: Invitae Variant Classification Sherloc (09022015). Collection method: clinical testing. Allele origin: germline.
Comment: This sequence change replaces aspartic acid, which is acidic and polar, with alanine, which is neutral and non-polar, at codon 817 of the IFT88 protein (p.Asp817Ala). This variant is present in population databases (rs141704239, gnomAD 0.05%). This variant has not been reported in the literature in individuals affected with IFT88-related conditions. ClinVar contains an entry for this variant (Variation ID: 1382039). Experimental studies and prediction algorithms are not available or were not evaluated, and the functional significance of this variant is currently unknown. In summary, the available evidence is currently insufficient to determine the role of this variant in disease. Therefore, it has been classified as a Variant of Uncertain Significance.

Ambry Genetics
Classification: Uncertain significance. Last evaluated: 2025-08-27. Review status: criteria provided, single submitter. Criteria: Ambry Variant Classification Scheme 2023. Collection method: clinical testing. Allele origin: germline.

NM_006531.5(IFT88):c.2423A>C (p.Asp808Ala)

Gene: IFT88 (intraflagellar transport 88; plus strand). Cytogenetic location: 13q12.11.
Variant type: single nucleotide variant.
Coding change: c.2423A>C on transcript NM_006531.5 (MANE Select); coding-DNA position 2423, A replaced by C.
Protein change: p.Asp808Ala; replaces aspartic acid 808 with alanine.
Molecular consequence: missense variant. On other transcripts: 3 prime UTR variant (1), non-coding transcript variant (5).
Genome position (GRCh38, 1-based): chr13:20,691,123, A>C. VCF-style: chr13-20691123-A-C. GRCh37 (hg19) VCF-style: chr13-21265262-A-C.
Other names: c.2366A>C, p.Asp789Ala (NM_001318491.2); c.2450A>C, p.Asp817Ala (NM_001318493.2, NM_001353565.2, NM_001353566.2 and 2 more transcripts); c.2423A>C, p.Asp808Ala (NM_001353568.2); c.2348A>C, p.Asp783Ala (NM_001353569.2, NM_001353570.2); c.2321A>C, p.Asp774Ala (NM_001353571.2); c.2312A>C, p.Asp771Ala (NM_001353572.2); c.2279A>C, p.Asp760Ala (NM_001353573.2); c.2264A>C, p.Asp755Ala (NM_001353574.2); and 5 more; short protein forms D597A, D746A, D760A, D771A, D783A, D808A, D817A, D737A.
Identifiers: ClinVar variation 1382039 (VCV001382039.7), dbSNP rs141704239, ClinGen allele CA6905782.